The following is an entry in ClinVar:

ClinVar aggregate classification (germline): Likely benign. Review status: criteria provided, multiple submitters, no conflicts (2 of 4 stars). 2 submissions from 2 submitters: Likely benign (2). Last evaluated 2022-07-08.

Conditions:
Charcot-Marie-Tooth disease type 4. Also called: Charcot-Marie-Tooth, Type 4; Charcot-Marie-Tooth disease, type IV. Identifiers: Orphanet 64749, MedGen C4082197, MONDO:0018995.

Allele frequency attached by ClinVar (database versions not stated): gnomAD 0.00001; TOPMed 0.00001; gnomAD exomes 0.00002 and 0.00003; ExAC 0.00002.
gnomAD v4.1: 33 of 1,479,472 alleles (0.0022%); highest among the groups gnomAD compares: South Asian, 0.0045%; no homozygotes.

Submissions (2):

Labcorp Genetics (formerly Invitae), Labcorp
Classification: Likely benign for Charcot-Marie-Tooth disease type 4. Last evaluated: 2022-07-08. Review status: criteria provided, single submitter. Criteria: Invitae Variant Classification Sherloc (09022015). Collection method: clinical testing. Allele origin: germline.

GeneDx
Classification: Likely benign. Last evaluated: 2016-03-22. Review status: criteria provided, single submitter. Criteria: GeneDx Variant Classification (06012015). Collection method: clinical testing. Allele origin: germline. Affected: yes.
Comment: This variant is considered likely benign or benign based on one or more of the following criteria: it is a conservative change, it occurs at a poorly conserved position in the protein, it is predicted to be benign by multiple in silico algorithms, and/or has population frequency not consistent with disease.

NM_014845.6(FIG4):c.2460-17T>C

Gene: FIG4 (FIG4 phosphoinositide 5-phosphatase; plus strand). Cytogenetic location: 6q21.
Variant type: single nucleotide variant.
Coding change: c.2460-17T>C on transcript NM_014845.6 (MANE Select); 17 bases into the intron before coding-DNA position 2460, T replaced by C.
Molecular consequence: intron variant.
Genome position (GRCh38, 1-based): chr6:109,796,748, T>C. VCF-style: chr6-109796748-T-C. GRCh37 (hg19) VCF-style: chr6-110117951-T-C.
Identifiers: ClinVar variation 384442 (VCV000384442.8), dbSNP rs201533992, ClinGen allele CA3956419.
Genomic context (GRCh38, chr6:109,796,748, plus strand): 5'-CACCATTTTGTGTGATCTACTGAATTAATTGCAAGTACTCCCTTCTTTAGCTGACTCTTA[T>C]CCATTGTAATTTGTAGATTTGTTCAGCTGGGGCAGAGTCAACATAAACAAGACAAGAATA-3'